The following is an entry in ClinVar:

ClinVar aggregate classification (germline): Pathogenic (1 of 4 stars; one submission).

Conditions:
Waardenburg syndrome type 2A (WS2A). Also called: WAARDENBURG SYNDROME WITHOUT DYSTOPIA CANTHORUM. Identifiers: Orphanet 3440, MedGen C1860339, MONDO:0008671, OMIM 193510.

Submission:

Institute of Rare Diseases, West China Hospital, Sichuan University
Classification: Pathogenic for Waardenburg syndrome type 2A. Last evaluated: 2025-01-09. Review status: criteria provided, single submitter. Criteria: ClinGen HL ACMG Specifications v1. Collection method: research. Allele origin: germline. Affected: yes.
Comment: PVS1;PP4;PM2_Supporting

NM_001354604.2(MITF):c.875_876insTTTATGTAAA (p.Thr293fs)

Gene: MITF (melanocyte inducing transcription factor; plus strand). Cytogenetic location: 3p13.
Variant type: Insertion.
Coding change: c.875_876insTTTATGTAAA on transcript NM_001354604.2 (MANE Select); coding-DNA positions 875 to 876, TTTATGTAAA inserted.
Protein change: p.Thr293fs; shifts the reading frame from threonine 293.
Molecular consequence: frameshift variant.
Genome position: GRCh38 VCF-style: chr3-69949163-T-TTTTATGTAAA. GRCh37 (hg19) VCF-style: chr3-69998314-T-TTTTATGTAAA.
Other names: c.554_555insTTTATGTAAA, p.Thr186fs (NM_000248.4, NM_198158.3); c.719_720insTTTATGTAAA, p.Thr241fs (NM_001184967.2, NM_001354608.2); c.872_873insTTTATGTAAA, p.Thr292fs (NM_001354605.2, NM_001354606.2, NM_006722.3); c.824_825insTTTATGTAAA, p.Thr276fs (NM_001354607.2); c.875_876insTTTATGTAAA, p.Thr293fs (NM_198159.3); c.827_828insTTTATGTAAA, p.Thr277fs (NM_198177.3); c.386_387insTTTATGTAAA, p.Thr130fs (NM_198178.3); short protein forms T130fs, T186fs, T241fs, T276fs, T277fs, T292fs, T293fs.
Identifiers: ClinVar variation 3601251 (VCV003601251.1).